The following is an entry in ClinVar:

NM_016156.6(MTMR2):c.1829_1830dup (p.Val611fs)

Gene: MTMR2 (myotubularin related protein 2; minus strand). Cytogenetic location: 11q21.
Variant type: Duplication.
Coding change: c.1829_1830dup on transcript NM_016156.6 (MANE Select); coding-DNA positions 1829 to 1830, 2 bases duplicated (AA; older notation c.1829_1830dupAA).
Protein change: p.Val611fs; shifts the reading frame from valine 611.
Molecular consequence: frameshift variant.
Genome position (GRCh38, 1-based): chr11:95,835,392-95,835,393, TT duplicated on the plus strand (AA on the coding strand, the reverse complement: MTMR2 is on the minus strand); duplicating any 2 consecutive bases within chr11:95,835,392-95,835,397 gives the same sequence; the c. name uses the placement nearest the transcript's 3' end. VCF-style (leftmost placement, unchanged base first): chr11-95835391-C-CTT. GRCh37 (hg19) VCF-style: chr11-95568555-C-CTT.
Other names: c.1613_1614dup, p.Val539fs (NM_001243571.2, NM_201278.3, NM_201281.3); short protein forms V539fs, V611fs.
Identifiers: ClinVar variation 2841247 (VCV002841247.3), dbSNP rs2496390190, ClinGen allele CA2739270768.

ClinVar aggregate classification (germline): Uncertain significance (1 of 4 stars; one submission).

Conditions:
Charcot-Marie-Tooth disease type 4. Also called: Charcot-Marie-Tooth disease, type IV; Charcot-Marie-Tooth, Type 4. Identifiers: Orphanet 64749, MedGen C4082197, MONDO:0018995.

Submission:

Labcorp Genetics (formerly Invitae), Labcorp
Classification: Uncertain significance for Charcot-Marie-Tooth disease type 4. Last evaluated: 2023-12-27. Review status: criteria provided, single submitter. Criteria: Invitae Variant Classification Sherloc (09022015). Collection method: clinical testing. Allele origin: germline.
Comment: This sequence change creates a premature translational stop signal (p.Val611Lysfs*2) in the MTMR2 gene. While this is not anticipated to result in nonsense mediated decay, it is expected to disrupt the last 33 amino acid(s) of the MTMR2 protein. This variant is not present in population databases (gnomAD no frequency). This variant has not been reported in the literature in individuals affected with MTMR2-related conditions. Algorithms developed to predict the effect of sequence changes on RNA splicing suggest that this variant may disrupt the consensus splice site. In summary, the available evidence is currently insufficient to determine the role of this variant in disease. Therefore, it has been classified as a Variant of Uncertain Significance.